The following is an entry in ClinVar:

ClinVar aggregate classification (germline): Likely benign. Review status: criteria provided, multiple submitters, no conflicts (2 of 4 stars). 2 submissions from 2 submitters: Likely benign (2). Last evaluated 2026-02-05.

Conditions:
Familial hypercholesterolemia. Also called: Familial hypercholesterolaemia; Familial hypercholesterolemias. Identifiers: MedGen C0020445, MONDO:0005439.
Familial hypobetalipoproteinemia 1. Also called: APOB-Related Familial Hypobetalipoproteinemia; Hypobetalipoproteinemia, normotriglyceridemic; Acanthocytosis with hypobetalipoproteinemia. Identifiers: MedGen C4551990, MONDO:0014252, OMIM 615558.
Hypercholesterolemia, autosomal dominant, type B (FHCL2). Also called: Familial Hypercholesterolemia Type B; APOLIPOPROTEIN B-100, FAMILIAL DEFECTIVE; APOLIPOPROTEIN B-100, FAMILIAL LIGAND-DEFECTIVE; Familial hypercholesterolemia 2; APOB-Related Familial Hypercholesterolemia, Autosomal Dominant; HYPERCHOLESTEROLEMIA, FAMILIAL, DUE TO LIGAND-DEFECTIVE APOLIPOPROTEIN B. Identifiers: MedGen C1704417, MONDO:0007751, OMIM 144010.

gnomAD v4.1: 1 of 1,548,872 alleles (0.000065%); highest among the groups gnomAD compares: Admixed American, 0.002%; no homozygotes.

Submissions (2):

GENinCode PLC
Classification: Likely benign for Familial hypercholesterolemia. Last evaluated: 2026-02-05. Review status: criteria provided, single submitter. Criteria: ACMG Guidelines, 2015. Collection method: clinical testing. Allele origin: germline.
Comment: This is a synonymous (silent) variant that is not predicted to impact splicing and occurs at a nucleotide which is not highly conserved. This variant has been classified as Likely Benign (BP4, BP7).

Labcorp Genetics (formerly Invitae), Labcorp
Classification: Likely benign for Familial hypobetalipoproteinemia 1; Hypercholesterolemia, autosomal dominant, type B. Last evaluated: 2022-07-14. Review status: criteria provided, single submitter. Criteria: Invitae Variant Classification Sherloc (09022015). Collection method: clinical testing. Allele origin: germline.

NM_000384.3(APOB):c.6571T>C (p.Leu2191=)

Gene: APOB (apolipoprotein B; minus strand). Cytogenetic location: 2p24.1.
Variant type: single nucleotide variant.
Coding change: c.6571T>C on transcript NM_000384.3 (MANE Select); coding-DNA position 6571, T replaced by C.
Protein change: p.Leu2191=; no amino-acid change (leucine 2191 retained).
Molecular consequence: synonymous variant.
Genome position (GRCh38, 1-based): chr2:21,010,297, A>G on the plus strand (T>C on the coding strand, the complement: APOB is on the minus strand). VCF-style: chr2-21010297-A-G. GRCh37 (hg19) VCF-style: chr2-21233169-A-G.
Other names: c.6571T>C (NM_000384.2).
Identifiers: ClinVar variation 1954310 (VCV001954310.6), dbSNP rs1446843445, ClinGen allele CA425345760.